The following is an entry in ClinVar:

NM_030962.4(SBF2):c.4603G>A (p.Ala1535Thr)

Genes: SBF2 (SET binding factor 2; minus strand), SBF2-AS1 (SBF2 antisense RNA 1; plus strand), LOC105369149 (uncharacterized LOC105369149; plus strand). Cytogenetic location: 11p15.4.
Variant type: single nucleotide variant.
Coding change: c.4603G>A on transcript NM_030962.4 (MANE Select); coding-DNA position 4603, G replaced by A.
Protein change: p.Ala1535Thr; replaces alanine 1535 with threonine.
Molecular consequence: missense variant.
Genome position (GRCh38, 1-based): chr11:9,790,651, C>T on the plus strand (G>A on the coding strand, the complement: SBF2 is on the minus strand). VCF-style: chr11-9790651-C-T. GRCh37 (hg19) VCF-style: chr11-9812198-C-T.
Other names: c.4699G>A, p.Ala1567Thr (NM_001386339.1); c.4474G>A, p.Ala1492Thr (NM_001386342.1); short protein forms A1535T, A1492T, A1567T.
Identifiers: ClinVar variation 543307 (VCV000543307.8), dbSNP rs546392558, ClinGen allele CA379635260.

ClinVar aggregate classification (germline): Uncertain significance (1 of 4 stars; one submission).

Conditions:
Charcot-Marie-Tooth disease type 4. Also called: Charcot-Marie-Tooth, Type 4; Charcot-Marie-Tooth disease, type IV. Identifiers: Orphanet 64749, MedGen C4082197, MONDO:0018995.

Allele frequency attached by ClinVar (database versions not stated): gnomAD exomes below 0.00001.
gnomAD v4.1: 1 of 1,583,592 alleles (0.000063%); highest among the groups gnomAD compares: East Asian, 0.0022%; no homozygotes.

Submission:

Labcorp Genetics (formerly Invitae), Labcorp
Classification: Uncertain significance for Charcot-Marie-Tooth disease type 4. Last evaluated: 2022-11-15. Review status: criteria provided, single submitter. Criteria: Invitae Variant Classification Sherloc (09022015). Collection method: clinical testing. Allele origin: germline.
Comment: In summary, the available evidence is currently insufficient to determine the role of this variant in disease. Therefore, it has been classified as a Variant of Uncertain Significance. Advanced modeling of protein sequence and biophysical properties (such as structural, functional, and spatial information, amino acid conservation, physicochemical variation, residue mobility, and thermodynamic stability) performed at Invitae indicates that this missense variant is not expected to disrupt SBF2 protein function. ClinVar contains an entry for this variant (Variation ID: 543307). This variant has not been reported in the literature in individuals affected with SBF2-related conditions. This variant is not present in population databases (gnomAD no frequency). This sequence change replaces alanine, which is neutral and non-polar, with threonine, which is neutral and polar, at codon 1535 of the SBF2 protein (p.Ala1535Thr).